The following is an entry in ClinVar:

NM_019892.6(INPP5E):c.1549+4A>G

Gene: INPP5E (inositol polyphosphate-5-phosphatase E; minus strand). Cytogenetic location: 9q34.3.
Variant type: single nucleotide variant.
Coding change: c.1549+4A>G on transcript NM_019892.6 (MANE Select); 4 bases into the intron after coding-DNA position 1549, A replaced by G.
Molecular consequence: intron variant.
Genome position (GRCh38, 1-based): chr9:136,431,820, T>C on the plus strand (A>G on the coding strand, the complement: INPP5E is on the minus strand). VCF-style: chr9-136431820-T-C. GRCh37 (hg19) VCF-style: chr9-139326272-T-C.
Other names: c.1546+4A>G (NM_001318502.2); c.1549+4A>G (NM_019892.5).
Identifiers: ClinVar variation 2076052 (VCV002076052.2), dbSNP rs1451464457, ClinGen allele CA591366667.

ClinVar aggregate classification (germline): Uncertain significance. Review status: criteria provided, single submitter (1 of 4 stars). 2 submissions from 2 submitters: Uncertain significance (1). 1 of the submissions does not count toward it. Last evaluated 2022-02-02.

Conditions:
INPP5E-related disorder. Also called: INPP5E-related condition.
Joubert syndrome. Also called: CEREBELLOPARENCHYMAL DISORDER IV; JOUBERT-BOLTSHAUSER SYNDROME; Familial aplasia of the vermis. Identifiers: Orphanet 475, MedGen C5979921, MONDO:0018772.

Allele frequency attached by ClinVar (database versions not stated): gnomAD exomes below 0.00001.
gnomAD v4.1: 6 of 1,458,378 alleles (0.00041%); highest among the groups gnomAD compares: Non-Finnish European, 0.00055%; no homozygotes.

Submissions (2):

Labcorp Genetics (formerly Invitae), Labcorp
Classification: Uncertain significance for Joubert syndrome. Last evaluated: 2022-02-02. Review status: criteria provided, single submitter. Criteria: Invitae Variant Classification Sherloc (09022015). Collection method: clinical testing. Allele origin: germline.
Comment: This sequence change falls in intron 7 of the INPP5E gene. It does not directly change the encoded amino acid sequence of the INPP5E protein. It affects a nucleotide within the consensus splice site. This variant is present in population databases (no rsID available, gnomAD 0.001%). This variant has not been reported in the literature in individuals affected with INPP5E-related conditions. Variants that disrupt the consensus splice site are a relatively common cause of aberrant splicing (PMID: 17576681, 9536098). Algorithms developed to predict the effect of sequence changes on RNA splicing suggest that this variant may disrupt the consensus splice site. In summary, the available evidence is currently insufficient to determine the role of this variant in disease. Therefore, it has been classified as a Variant of Uncertain Significance.

PreventionGenetics, part of Exact Sciences
Classification: Likely benign for INPP5E-related condition. Last evaluated: 2024-08-30. Review status: no assertion criteria provided. Collection method: clinical testing. Allele origin: germline. Not counted in ClinVar's aggregate classification.
Comment: This variant is classified as likely benign based on ACMG/AMP sequence variant interpretation guidelines (Richards et al. 2015 PMID: 25741868, with internal and published modifications).

Literature cited by the submitters: PubMed 17576681 (cited by Labcorp Genetics (formerly Invitae), Labcorp); PubMed 9536098 (cited by Labcorp Genetics (formerly Invitae), Labcorp).